The following is an entry in ClinVar:

ClinVar aggregate classification (germline): Uncertain significance. Review status: criteria provided, multiple submitters, no conflicts (2 of 4 stars). 2 submissions from 2 submitters: Uncertain significance (2). Last evaluated 2022-09-13.

Submissions (2):

GeneDx
Classification: Uncertain significance. Last evaluated: 2022-09-13. Review status: criteria provided, single submitter. Criteria: GeneDx Variant Classification Process June 2021. Collection method: clinical testing. Allele origin: germline. Affected: yes.
Comment: Not observed at significant frequency in large population cohorts (gnomAD); In silico analysis supports that this missense variant does not alter protein structure/function; Has not been previously published as pathogenic or benign to our knowledge

Labcorp Genetics (formerly Invitae), Labcorp
Classification: Uncertain significance. Last evaluated: 2021-10-27. Review status: criteria provided, single submitter. Criteria: Invitae Variant Classification Sherloc (09022015). Collection method: clinical testing. Allele origin: germline.
Comment: This sequence change replaces serine, a(n) neutral and polar amino acid, with threonine, a(n) neutral and polar amino acid, at codon 2939 of the UNC80 protein (p.Ser2939Thr). This variant is not present in population databases (gnomAD no frequency). This variant has not been reported in the literature in individuals affected with UNC80-related conditions. Algorithms developed to predict the effect of missense changes on protein structure and function are either unavailable or do not agree on the potential impact of this missense change (SIFT: "Not Available"; PolyPhen-2: "Probably Damaging"; Align-GVGD: "Not Available"). In summary, the available evidence is currently insufficient to determine the role of this variant in disease. Therefore, it has been classified as a Variant of Uncertain Significance.

NM_001371986.1(UNC80):c.9013T>A (p.Ser3005Thr)

Gene: UNC80 (unc-80 subunit of NALCN channel complex; plus strand). Cytogenetic location: 2q34.
Variant type: single nucleotide variant.
Coding change: c.9013T>A on transcript NM_001371986.1 (MANE Select); coding-DNA position 9013, T replaced by A.
Protein change: p.Ser3005Thr; replaces serine 3005 with threonine.
Molecular consequence: missense variant.
Genome position (GRCh38, 1-based): chr2:209,978,603, T>A. VCF-style: chr2-209978603-T-A. GRCh37 (hg19) VCF-style: chr2-210843327-T-A.
Other names: c.8815T>A (NM_032504.1); c.8815T>A, p.Ser2939Thr (NM_032504.2); c.8800T>A, p.Ser2934Thr (NM_182587.4); short protein forms S2939T, S2934T, S3005T.
Identifiers: ClinVar variation 1347634 (VCV001347634.6), dbSNP rs2093072337, ClinGen allele CA350414533.